The following is an entry in ClinVar:

ClinVar aggregate classification (germline): Uncertain significance (1 of 4 stars; one submission).

Submission:

CeGaT Center for Human Genetics Tuebingen
Classification: Uncertain significance. Last evaluated: 2026-03-01. Review status: criteria provided, single submitter. Criteria: CeGaT Center For Human Genetics Tuebingen Variant Classification Criteria Version 2. Collection method: clinical testing. Allele origin: germline. Affected: yes. Observed: 1 variant allele.
Comment: CHD3: PM2, PM4:Supporting

NM_001005273.3(CHD3):c.1063AAG[5] (p.Lys358_Val359insLys)

Genes: CHD3 (chromodomain helicase DNA binding protein 3; plus strand), LOC126862484 (CDK7 strongly-dependent group 2 enhancer GRCh37_chr17:7797066-7798265; plus strand). Cytogenetic location: 17p13.1.
Variant type: Microsatellite.
Coding change: c.1063AAG[5] on transcript NM_001005273.3 (MANE Select); five copies in a row of the 3-base unit AAG starting at c.1063; the reference has four copies in a row; one copy, 3 bases duplicated.
Protein change: p.Lys358_Val359insLys.
Molecular consequence: inframe insertion.
Genome position (GRCh38, 1-based): chr17:7,894,262-7,894,264, AAG duplicated; duplicating any 3 consecutive bases within chr17:7,894,252-7,894,264 gives the same sequence; the position shown is the placement nearest the transcript's 3' end. VCF-style (leftmost placement, unchanged base first): chr17-7894251-G-GGAA. GRCh37 (hg19) VCF-style: chr17-7797569-G-GGAA.
Other names: c.1240AAG[5], p.Lys417_Val418insLys (NM_001437504.1, NM_001005271.3); c.1228AAG[5], p.Lys413_Val414insLys (NM_001437507.1, NM_001437508.1, NM_001437509.1); c.1063AAG[5], p.Lys358_Val359insLys (NM_005852.4).
Identifiers: ClinVar variation 4822031 (VCV004822031.4).